The following is an entry in ClinVar:

NM_003737.4(DCHS1):c.3742G>A (p.Glu1248Lys)

Gene: DCHS1 (dachsous cadherin-related 1; minus strand). Cytogenetic location: 11p15.4.
Variant type: single nucleotide variant.
Coding change: c.3742G>A on transcript NM_003737.4 (MANE Select); coding-DNA position 3742, G replaced by A.
Protein change: p.Glu1248Lys; replaces glutamic acid 1248 with lysine.
Molecular consequence: missense variant.
Genome position (GRCh38, 1-based): chr11:6,631,341, C>T on the plus strand (G>A on the coding strand, the complement: DCHS1 is on the minus strand). VCF-style: chr11-6631341-C-T. GRCh37 (hg19) VCF-style: chr11-6652572-C-T.
Other names: c.3742G>A (NM_003737.2); short protein forms E1248K.
Identifiers: ClinVar variation 2083100 (VCV002083100.6), dbSNP rs780679282, ClinGen allele CA5860443.

ClinVar aggregate classification (germline): Uncertain significance. Review status: criteria provided, multiple submitters, no conflicts (2 of 4 stars). 2 submissions from 2 submitters: Uncertain significance (2). Last evaluated 2026-01-27.

Conditions:
Inborn genetic diseases. Identifiers: MedGen C0950123, MeSH D030342.

Allele frequency attached by ClinVar (database versions not stated): gnomAD 0.00001; gnomAD exomes 0.00001; TOPMed 0.00001; ExAC 0.00002.
gnomAD v4.1: 21 of 1,613,876 alleles (0.0013%); highest among the groups gnomAD compares: Non-Finnish European, 0.00025%; no homozygotes.

Submissions (2):

Labcorp Genetics (formerly Invitae), Labcorp
Classification: Uncertain significance. Last evaluated: 2026-01-27. Review status: criteria provided, single submitter. Criteria: Invitae Variant Classification Sherloc (09022015). Collection method: clinical testing. Allele origin: germline.
Comment: This sequence change replaces glutamic acid, which is acidic and polar, with lysine, which is basic and polar, at codon 1248 of the DCHS1 protein (p.Glu1248Lys). This variant is present in population databases (rs780679282, gnomAD 0.05%). This variant has not been reported in the literature in individuals affected with DCHS1-related conditions. ClinVar contains an entry for this variant (Variation ID: 2083100). Invitae Evidence Modeling of protein sequence and biophysical properties (such as structural, functional, and spatial information, amino acid conservation, physicochemical variation, residue mobility, and thermodynamic stability) indicates that this missense variant is expected to disrupt DCHS1 protein function with a positive predictive value of 80%. In summary, the available evidence is currently insufficient to determine the role of this variant in disease. Therefore, it has been classified as a Variant of Uncertain Significance.

Ambry Genetics
Classification: Uncertain significance for Inborn genetic diseases. Last evaluated: 2023-08-21. Review status: criteria provided, single submitter. Criteria: Ambry Variant Classification Scheme 2023. Collection method: clinical testing. Allele origin: germline.